The following is an entry in ClinVar:

NM_005419.4(STAT2):c.1964A>C (p.Asn655Thr)

Gene: STAT2 (signal transducer and activator of transcription 2; minus strand). Cytogenetic location: 12q13.3.
Variant type: single nucleotide variant.
Coding change: c.1964A>C on transcript NM_005419.4 (MANE Select); coding-DNA position 1964, A replaced by C.
Protein change: p.Asn655Thr; replaces asparagine 655 with threonine.
Molecular consequence: missense variant.
Genome position (GRCh38, 1-based): chr12:56,346,522, T>G on the plus strand (A>C on the coding strand, the complement: STAT2 is on the minus strand). VCF-style: chr12-56346522-T-G. GRCh37 (hg19) VCF-style: chr12-56740306-T-G.
Other names: c.1931A>C, p.Asn644Thr (NM_001385110.1); c.1865A>C, p.Asn622Thr (NM_001385111.1); c.1964A>C, p.Asn655Thr (NM_001385113.1); c.1943A>C, p.Asn648Thr (NM_001385114.1); c.1922A>C, p.Asn641Thr (NM_001385115.1); c.1952A>C, p.Asn651Thr (NM_198332.2); short protein forms N648T, N622T, N655T, N641T, N644T, N651T.
Identifiers: ClinVar variation 2092319 (VCV002092319.1), dbSNP rs149037282, ClinGen allele CA237646318.
Genomic context (GRCh38, chr12:56,346,522, plus strand): 5'-CCAAAAGCTTCATCCCGGGGGATTCGGGGATAGAGGAAGCGCAGTGGGTTTTCAGGTATA[T>G]TCTCCTCAGTGAGCAACTGGTAATGGCGGATGATTTCAGTCAGCGGGAGTGACTGCAGCA-3'
Protein context (NP_005410.1, residues 645-665): IRHYQLLTEE[Asn655Thr]IPENPLRFLY

ClinVar aggregate classification (germline): Uncertain significance (1 of 4 stars; one submission).

Conditions:
Primary immunodeficiency with post-measles-mumps-rubella vaccine viral infection. Also called: Immunodeficiency 44. Identifiers: Orphanet 431166, MedGen C4225260, MONDO:0014715, OMIM 616636.

Allele frequency attached by ClinVar (database versions not stated): gnomAD 0.00001; gnomAD exomes 0.00001; TOPMed 0.00002; ESP Exome Variant Server 0.00008.
gnomAD v4.1: 5 of 1,614,084 alleles (0.00031%); highest among the groups gnomAD compares: Non-Finnish European, 0.00034%; no homozygotes.

Submission:

Labcorp Genetics (formerly Invitae), Labcorp
Classification: Uncertain significance for Primary immunodeficiency with post-measles-mumps-rubella vaccine viral infection. Last evaluated: 2022-02-03. Review status: criteria provided, single submitter. Criteria: Invitae Variant Classification Sherloc (09022015). Collection method: clinical testing. Allele origin: germline.
Comment: This sequence change replaces asparagine, which is neutral and polar, with threonine, which is neutral and polar, at codon 655 of the STAT2 protein (p.Asn655Thr). This variant is not present in population databases (gnomAD no frequency). This variant has not been reported in the literature in individuals affected with STAT2-related conditions. Advanced modeling of protein sequence and biophysical properties (such as structural, functional, and spatial information, amino acid conservation, physicochemical variation, residue mobility, and thermodynamic stability) performed at Invitae indicates that this missense variant is expected to disrupt STAT2 protein function. In summary, the available evidence is currently insufficient to determine the role of this variant in disease. Therefore, it has been classified as a Variant of Uncertain Significance.